The following is an entry in ClinVar:

NM_001395333.1(MTCL1):c.3855G>A (p.Glu1285=)

Gene: MTCL1 (microtubule crosslinking factor 1; plus strand). Cytogenetic location: 18p11.22.
Variant type: single nucleotide variant.
Coding change: c.3855G>A on transcript NM_001395333.1 (MANE Select); coding-DNA position 3855, G replaced by A.
Protein change: p.Glu1285=; no amino-acid change (glutamic acid 1285 retained).
Molecular consequence: synonymous variant.
Genome position (GRCh38, 1-based): chr18:8,813,149, G>A. VCF-style: chr18-8813149-G-A. GRCh37 (hg19) VCF-style: chr18-8813147-G-A.
Other names: c.3732G>A, p.Glu1244= (NM_001378205.1, NM_001378207.1); c.3855G>A, p.Glu1285= (NM_001378206.1); c.2652G>A, p.Glu884= (NM_001395220.1); c.2775G>A, p.Glu925= (NM_015210.4).
Identifiers: ClinVar variation 2648559 (VCV002648559.24), dbSNP rs770901668, ClinGen allele CA8886426.
Genomic context (GRCh38, chr18:8,813,149, plus strand): 5'-CAGCCTGGTCATGGACCTGCGCTGGCAGATCCATCACAGCGAGAAGAACTGGAACCGGGA[G>A]AAGGTGGAACTTCTCGACCGCCTGGACAGAGATCGGCAGGAGTGGGAGCGGCAGAAGAAG-3'
Protein context (NP_001382262.1, residues 1275-1295): IHHSEKNWNR[Glu1285=]KVELLDRLDR

ClinVar aggregate classification (germline): Likely benign (1 of 4 stars; one submission).

Allele frequency attached by ClinVar (database versions not stated): gnomAD exomes below 0.00001; ExAC 0.00001.
gnomAD v4.1: 1 of 1,614,142 alleles (0.000062%); highest among the groups gnomAD compares: Admixed American, 0.0017%; no homozygotes.

Submission:

CeGaT Center for Human Genetics Tuebingen
Classification: Likely benign. Last evaluated: 2022-10-01. Review status: criteria provided, single submitter. Criteria: CeGaT Center For Human Genetics Tuebingen Variant Classification Criteria Version 2. Collection method: clinical testing. Allele origin: germline. Affected: yes. Observed: 1 variant allele.
Comment: MTCL1: BP4, BP7